The following is an entry in ClinVar:

ClinVar aggregate classification (germline): Uncertain significance (1 of 4 stars; one submission).

Submission:

GeneDx
Classification: Uncertain significance. Last evaluated: 2024-03-21. Review status: criteria provided, single submitter. Criteria: GeneDx Variant Classification Process June 2021. Collection method: clinical testing. Allele origin: germline. Affected: yes.
Comment: Not observed at significant frequency in large population cohorts (gnomAD); In silico analysis supports that this missense variant does not alter protein structure/function; Has not been previously published as pathogenic or benign to our knowledge

NM_015570.4(AUTS2):c.890A>G (p.Asp297Gly)

Gene: AUTS2 (activator of transcription and developmental regulator AUTS2; plus strand). Cytogenetic location: 7q11.22.
Variant type: single nucleotide variant.
Coding change: c.890A>G on transcript NM_015570.4 (MANE Select); coding-DNA position 890, A replaced by G.
Protein change: p.Asp297Gly; replaces aspartic acid 297 with glycine.
Molecular consequence: missense variant.
Genome position (GRCh38, 1-based): chr7:70,763,017, A>G. VCF-style: chr7-70763017-A-G. GRCh37 (hg19) VCF-style: chr7-70228003-A-G.
Other names: c.890A>G, p.Asp297Gly (NM_001127231.3); short protein forms D297G.
Identifiers: ClinVar variation 3371343 (VCV003371343.1).
Genomic context (GRCh38, chr7:70,763,017, plus strand): 5'-GCCAGGAGAAGAGCCAGGACTGTTGCAAAGAGCCAATCTTTGAGCCTGTGGTGCTTAAAG[A>G]CCCCTGCCCTCAGGTCGCACAGCCAATACCCCAGCCGCAGACGGAGCCCCAACTCCGAGC-3'
Protein context (NP_056385.1, residues 287-307): EPIFEPVVLK[Asp297Gly]PCPQVAQPIP